The following is an entry in ClinVar:

ClinVar aggregate classification (germline): Uncertain significance. Review status: criteria provided, multiple submitters, no conflicts (2 of 4 stars). 3 submissions from 3 submitters: Uncertain significance (3). Last evaluated 2023-04-11.

Conditions:
Developmental and epileptic encephalopathy, 23 (DEE23). Also called: Epileptic encephalopathy, early infantile, 23. Identifiers: Orphanet 411986, MedGen C4014492, MONDO:0014371, OMIM 615859.

Allele frequency attached by ClinVar (database versions not stated): ExAC 0.00003; gnomAD exomes 0.00003 and 0.00002; 1000 Genomes Project 30x 0.00016; 1000 Genomes Project 0.00020; TOPMed below 0.00001; gnomAD 0.00001.

Submissions (3):

Genome-Nilou Lab
Classification: Uncertain significance for Developmental and epileptic encephalopathy, 23. Last evaluated: 2023-04-11. Review status: criteria provided, single submitter. Criteria: ACMG Guidelines, 2015. Collection method: clinical testing. Allele origin: germline. Affected: no.

GeneDx
Classification: Uncertain significance. Last evaluated: 2022-05-16. Review status: criteria provided, single submitter. Criteria: GeneDx Variant Classification Process June 2021. Collection method: clinical testing. Allele origin: germline. Affected: yes.
Comment: In silico analysis supports that this missense variant does not alter protein structure/function; Has not been previously published as pathogenic or benign to our knowledge

Labcorp Genetics (formerly Invitae), Labcorp
Classification: Uncertain significance for Developmental and epileptic encephalopathy, 23. Last evaluated: 2022-04-01. Review status: criteria provided, single submitter. Criteria: Invitae Variant Classification Sherloc (09022015). Collection method: clinical testing. Allele origin: germline.
Comment: This sequence change replaces glutamine, which is neutral and polar, with arginine, which is basic and polar, at codon 1168 of the DOCK7 protein (p.Gln1168Arg). This variant is present in population databases (rs201976376, gnomAD 0.03%). This variant has not been reported in the literature in individuals affected with DOCK7-related conditions. Algorithms developed to predict the effect of missense changes on protein structure and function (SIFT, PolyPhen-2, Align-GVGD) all suggest that this variant is likely to be tolerated. In summary, the available evidence is currently insufficient to determine the role of this variant in disease. Therefore, it has been classified as a Variant of Uncertain Significance.

NM_001367561.1(DOCK7):c.3503A>G (p.Gln1168Arg)

Gene: DOCK7 (dedicator of cytokinesis 7; minus strand). Cytogenetic location: 1p31.3.
Variant type: single nucleotide variant.
Coding change: c.3503A>G on transcript NM_001367561.1 (MANE Select); coding-DNA position 3503, A replaced by G.
Protein change: p.Gln1168Arg; replaces glutamine 1168 with arginine.
Molecular consequence: missense variant.
Genome position (GRCh38, 1-based): chr1:62,535,601, T>C on the plus strand (A>G on the coding strand, the complement: DOCK7 is on the minus strand). VCF-style: chr1-62535601-T-C. GRCh37 (hg19) VCF-style: chr1-63001272-T-C.
Other names: c.3503A>G, p.Gln1168Arg (NM_001271999.2, NM_001330614.2); c.3410A>G, p.Gln1137Arg (NM_001272000.2, NM_001272001.2, NM_033407.4); short protein forms Q1137R, Q1168R.
Identifiers: ClinVar variation 1437628 (VCV001437628.5), dbSNP rs201976376, ClinGen allele CA885970.